The following is an entry in ClinVar:

ClinVar aggregate classification (germline): Uncertain significance (1 of 4 stars; one submission).

Conditions:
Wieacker-Wolff syndrome, female-restricted (WRWFFR). Identifiers: MedGen C5393303, MONDO:0026762, OMIM 301041.

Submission:

Neuberg Centre For Genomic Medicine, NCGM
Classification: Uncertain significance for Wieacker-Wolff syndrome, female-restricted. Review status: criteria provided, single submitter. Criteria: ACMG Guidelines, 2015. Collection method: clinical testing. Allele origin: germline. Inheritance: X-linked inheritance. Affected: yes.
Comment: The missense variant c.269T>C (p.Leu90Pro) inZC4H2 genehas not beenreported previously as a pathogenic variant nor as a benign variant, to our knowledge. The p.Leu90Pro variant is novel (not in any individuals) in gnomAD Exomes and 1000Genomes. This variant has not beenreported to the ClinVar database. The amino acid change p.Leu90Pro in ZC4H2 is predicted as conserved by GERP++ and PhyloP across 100 vertebrates. For these reasons, this variant has been classified as Uncertain Significance (VUS).

NM_018684.4(ZC4H2):c.269T>C (p.Leu90Pro)

Gene: ZC4H2 (zinc finger C4H2-type containing; minus strand). Cytogenetic location: Xq11.2.
Variant type: single nucleotide variant.
Coding change: c.269T>C on transcript NM_018684.4 (MANE Select); coding-DNA position 269, T replaced by C.
Protein change: p.Leu90Pro; replaces leucine 90 with proline.
Molecular consequence: missense variant. On other transcripts: non-coding transcript variant (1).
Genome position (GRCh38, 1-based): chrX:64,920,210, A>G on the plus strand (T>C on the coding strand, the complement: ZC4H2 is on the minus strand). VCF-style: chrX-64920210-A-G. GRCh37 (hg19) VCF-style: chrX-64140090-A-G.
Other names: c.200T>C, p.Leu67Pro (NM_001178032.3, NM_001243804.2); c.269T>C, p.Leu90Pro (NM_001178033.3); short protein forms L67P, L90P.
Identifiers: ClinVar variation 2584832 (VCV002584832.1), dbSNP rs2519693960, ClinGen allele CA413411972.